The following is an entry in ClinVar:

NM_152564.5(VPS13B):c.5950G>A (p.Val1984Ile)

Gene: VPS13B (vacuolar protein sorting 13 homolog B; plus strand). Cytogenetic location: 8q22.2.
Variant type: single nucleotide variant.
Coding change: c.5950G>A on transcript NM_152564.5 (MANE Select); coding-DNA position 5950, G replaced by A.
Protein change: p.Val1984Ile; replaces valine 1984 with isoleucine.
Molecular consequence: missense variant.
Genome position (GRCh38, 1-based): chr8:99,661,395, G>A. VCF-style: chr8-99661395-G-A. GRCh37 (hg19) VCF-style: chr8-100673623-G-A.
Other names: c.6025G>A, p.Val2009Ile (NM_017890.5); short protein forms V1984I, V2009I.
Identifiers: ClinVar variation 1035841 (VCV001035841.12), dbSNP rs1303328130, ClinGen allele CA371868833.

ClinVar aggregate classification (germline): Uncertain significance. Review status: criteria provided, multiple submitters, no conflicts (2 of 4 stars). 3 submissions from 3 submitters: Uncertain significance (2). 1 of the submissions does not count toward it. Last evaluated 2023-08-17.

Conditions:
Cohen syndrome (COH1). Also called: Cutis verticis gyrata, retinitis pigmentosa, and sensorineural deafness; PEPPER SYNDROME. Identifiers: Orphanet 193, MedGen C0265223, MONDO:0008999, OMIM 216550.

Allele frequency attached by ClinVar (database versions not stated): gnomAD exomes below 0.00001; TOPMed below 0.00001; gnomAD 0.00001.
gnomAD v4.1: 4 of 1,613,614 alleles (0.00025%); highest among the groups gnomAD compares: Middle Eastern, 0.016%; no homozygotes.

Submissions (3):

Labcorp Genetics (formerly Invitae), Labcorp
Classification: Uncertain significance for Cohen syndrome. Last evaluated: 2023-08-17. Review status: criteria provided, single submitter. Criteria: Invitae Variant Classification Sherloc (09022015). Collection method: clinical testing. Allele origin: germline.
Comment: This sequence change replaces valine, which is neutral and non-polar, with isoleucine, which is neutral and non-polar, at codon 2009 of the VPS13B protein (p.Val2009Ile). This variant is not present in population databases (gnomAD no frequency). This variant has not been reported in the literature in individuals affected with VPS13B-related conditions. ClinVar contains an entry for this variant (Variation ID: 1035841). Advanced modeling of protein sequence and biophysical properties (such as structural, functional, and spatial information, amino acid conservation, physicochemical variation, residue mobility, and thermodynamic stability) performed at Invitae indicates that this missense variant is not expected to disrupt VPS13B protein function. In summary, the available evidence is currently insufficient to determine the role of this variant in disease. Therefore, it has been classified as a Variant of Uncertain Significance.

Blueprint Genetics
Classification: Uncertain significance. Last evaluated: 2020-02-10. Review status: criteria provided, single submitter. Criteria: ACMG Guidelines, 2015. Collection method: clinical testing. Allele origin: germline.

Natera, Inc.
Classification: Uncertain significance for Cohen syndrome. Last evaluated: 2021-08-24. Review status: no assertion criteria provided. Collection method: clinical testing. Allele origin: germline. Not counted in ClinVar's aggregate classification.